The following is an entry in ClinVar:

ClinVar aggregate classification (germline): Likely benign (1 of 4 stars; one submission).

Allele frequency attached by ClinVar (database versions not stated): TOPMed 0.00002.

Submission:

CeGaT Center for Human Genetics Tuebingen
Classification: Likely benign. Last evaluated: 2023-09-01. Review status: criteria provided, single submitter. Criteria: CeGaT Center For Human Genetics Tuebingen Variant Classification Criteria Version 2. Collection method: clinical testing. Allele origin: germline. Affected: yes. Observed: 1 variant allele.
Comment: SEC31A: PM2:Supporting, BP4, BP7

NM_001077207.4(SEC31A):c.2265T>C (p.Asn755=)

Gene: SEC31A (SEC31 homolog A, COPII component; minus strand). Cytogenetic location: 4q21.22.
Variant type: single nucleotide variant.
Coding change: c.2265T>C on transcript NM_001077207.4 (MANE Select); coding-DNA position 2265, T replaced by C.
Protein change: p.Asn755=; no amino-acid change (asparagine 755 retained).
Molecular consequence: synonymous variant.
Genome position (GRCh38, 1-based): chr4:82,851,494, A>G on the plus strand (T>C on the coding strand, the complement: SEC31A is on the minus strand). VCF-style: chr4-82851494-A-G. GRCh37 (hg19) VCF-style: chr4-83772647-A-G.
Other names: c.2265T>C, p.Asn755= (NM_001077206.4, NM_001400190.1, NM_001400191.1 and 17 more transcripts); c.2148T>C, p.Asn716= (NM_001400167.1, NM_001400168.1, NM_001400198.1 and 10 more transcripts); c.2187T>C, p.Asn729= (NM_001400180.1, NM_001400188.1, NM_001400197.1 and 7 more transcripts); c.2226T>C, p.Asn742= (NM_001400184.1, NM_001400186.1, NM_001400204.1 and 5 more transcripts); c.2250T>C, p.Asn750= (NM_001191049.2, NM_001400212.1, NM_001400214.1); c.1986T>C, p.Asn662= (NM_001400215.1); c.1791T>C, p.Asn597= (NM_001400224.1).
Identifiers: ClinVar variation 2654849 (VCV002654849.24), dbSNP rs1190008465, ClinGen allele CA440093617.